The following is an entry in ClinVar:

ClinVar aggregate classification (germline): Uncertain significance (1 of 4 stars; one submission).

Submission:

Ambry Genetics
Classification: Uncertain significance. Last evaluated: 2023-09-19. Review status: criteria provided, single submitter. Criteria: Ambry Variant Classification Scheme 2023. Collection method: clinical testing. Allele origin: germline.
Comment: The p.D361G variant (also known as c.1082A>G), located in coding exon 3 of the EGLN1 gene, results from an A to G substitution at nucleotide position 1082. The aspartic acid at codon 361 is replaced by glycine, an amino acid with similar properties. This amino acid position is conserved. In addition, the in silico prediction for this alteration is inconclusive. Since supporting evidence is limited at this time, the clinical significance of this alteration remains unclear.

NM_022051.3(EGLN1):c.1082A>G (p.Asp361Gly)

Gene: EGLN1 (egl-9 family hypoxia inducible factor 1; minus strand). Cytogenetic location: 1q42.2.
Variant type: single nucleotide variant.
Coding change: c.1082A>G on transcript NM_022051.3 (MANE Select); coding-DNA position 1082, A replaced by G.
Protein change: p.Asp361Gly; replaces aspartic acid 361 with glycine.
Molecular consequence: missense variant. On other transcripts: intron variant (1).
Genome position (GRCh38, 1-based): chr1:231,370,628, T>C on the plus strand (A>G on the coding strand, the complement: EGLN1 is on the minus strand). VCF-style: chr1-231370628-T-C. GRCh37 (hg19) VCF-style: chr1-231506374-T-C.
Other names: c.1082A>G, p.Asp361Gly (NM_001377260.1); c.1012-2992A>G (NM_001377261.1); short protein forms D361G.
Identifiers: ClinVar variation 3227686 (VCV003227686.1), dbSNP rs2527228356, ClinGen allele CA345240352.